The following is an entry in ClinVar:

ClinVar aggregate classification (germline): Uncertain significance (1 of 4 stars; one submission).

Conditions:
Inborn genetic diseases. Identifiers: MedGen C0950123, MeSH D030342.

Submission:

Ambry Genetics
Classification: Uncertain significance for Inborn genetic diseases. Last evaluated: 2026-05-01. Review status: criteria provided, single submitter. Criteria: Ambry Variant Classification Scheme 2023. Collection method: clinical testing. Allele origin: germline.
Comment: The c.91_102dupCCGCCGGGCGCC (p.P31_A34dup) alteration is located in exon 1 (coding exon 1) of the COLGALT1 gene. The alteration consists of an in-frame duplication of 12 nucleotides from position 91 to 102, resulting in the duplication of 4 residues. This variant was not reported in population-based cohorts in the Genome Aggregation Database (gnomAD). Based on insufficient or conflicting evidence, the clinical significance of this alteration remains unclear.

NM_024656.4(COLGALT1):c.91_102dup (p.Ala34_Asp35insProProGlyAla)

Genes: COLGALT1 (collagen beta(1-O)galactosyltransferase 1; plus strand), LOC130063952 (ATAC-STARR-seq lymphoblastoid silent region 10355; plus strand). Cytogenetic location: 19p13.11.
Variant type: Duplication.
Coding change: c.91_102dup on transcript NM_024656.4 (MANE Select); coding-DNA positions 91 to 102, 12 bases duplicated (CCGCCGGGCGCC).
Protein change: p.Ala34_Asp35insProProGlyAla.
Molecular consequence: inframe insertion.
Genome position (GRCh38, 1-based): chr19:17,555,804-17,555,815, CCGCCGGGCGCC duplicated; duplicating any 12 consecutive bases within chr19:17,555,801-17,555,815 gives the same sequence; the c. name uses the placement nearest the transcript's 3' end. VCF-style (leftmost placement, unchanged base first): chr19-17555800-G-GGCCCCGCCGGGC. GRCh37 (hg19) VCF-style: chr19-17666609-G-GGCCCCGCCGGGC.
Identifiers: ClinVar variation 4869328 (VCV004869328.1).